The following is an entry in ClinVar:

ClinVar aggregate classification (germline): Uncertain significance. Review status: criteria provided, multiple submitters, no conflicts (2 of 4 stars). 2 submissions from 2 submitters: Uncertain significance (2). Last evaluated 2025-08-21.

Conditions:
Pitt-Hopkins-like syndrome 2 (PTHSL2). Identifiers: Orphanet 221150, Orphanet 600663, MedGen C3280479, MONDO:0013690, OMIM 614325.

Allele frequency attached by ClinVar (database versions not stated): gnomAD exomes 0.00001 and 0.00002; TOPMed 0.00002; ExAC 0.00003; gnomAD 0.00003 and 0.00004.
gnomAD v4.1: 35 of 1,610,564 alleles (0.0022%); highest among the groups gnomAD compares: Admixed American, 0.005%; no homozygotes.

Submissions (2):

Labcorp Genetics (formerly Invitae), Labcorp
Classification: Uncertain significance for Pitt-Hopkins-like syndrome 2. Last evaluated: 2025-08-21. Review status: criteria provided, single submitter. Criteria: Invitae Variant Classification Sherloc (09022015). Collection method: clinical testing. Allele origin: germline.
Comment: This sequence change replaces threonine, which is neutral and polar, with methionine, which is neutral and non-polar, at codon 1051 of the NRXN1 protein (p.Thr1051Met). This variant is present in population databases (rs199980022, gnomAD 0.003%). This variant has not been reported in the literature in individuals affected with NRXN1-related conditions. ClinVar contains an entry for this variant (Variation ID: 206255). An algorithm developed to predict the effect of missense changes on protein structure and function (PolyPhen-2) suggests that this variant is likely to be disruptive. In summary, the available evidence is currently insufficient to determine the role of this variant in disease. Therefore, it has been classified as a Variant of Uncertain Significance.

GeneDx
Classification: Uncertain significance. Last evaluated: 2024-07-05. Review status: criteria provided, single submitter. Criteria: GeneDx Variant Classification Process June 2021. Collection method: clinical testing. Allele origin: germline. Affected: yes.
Comment: Not observed at significant frequency in large population cohorts (gnomAD); In silico analysis supports that this missense variant has a deleterious effect on protein structure/function; Missense variant in a gene in which most reported pathogenic variants are truncating/loss of function; Has not been previously published as pathogenic or benign to our knowledge

NM_001330078.2(NRXN1):c.3032C>T (p.Thr1011Met)

Gene: NRXN1 (neurexin 1; minus strand). Cytogenetic location: 2p16.3.
Variant type: single nucleotide variant.
Coding change: c.3032C>T on transcript NM_001330078.2 (MANE Select); coding-DNA position 3032, C replaced by T.
Protein change: p.Thr1011Met; replaces threonine 1011 with methionine.
Molecular consequence: missense variant.
Genome position (GRCh38, 1-based): chr2:50,495,943, G>A on the plus strand (C>T on the coding strand, the complement: NRXN1 is on the minus strand). VCF-style: chr2-50495943-G-A. GRCh37 (hg19) VCF-style: chr2-50723081-G-A.
Other names: p.T1051M:ACG>ATG; c.3152C>T, p.Thr1051Met (NM_001135659.3); c.3008C>T, p.Thr1003Met (NM_001330077.2, NM_001330082.2); c.2966C>T, p.Thr989Met (NM_001330083.2, NM_001330084.2); c.3005C>T, p.Thr1002Met (NM_001330085.2); c.3032C>T, p.Thr1011Met (NM_001330086.2, NM_004801.6); c.2921C>T, p.Thr974Met (NM_001330087.2, NM_001330096.2); c.2951C>T, p.Thr984Met (NM_001330088.2); and 3 more; short protein forms T1051M, T984M, T989M, T1003M, T1010M, T1011M, T974M, T994M.
Identifiers: ClinVar variation 206255 (VCV000206255.10), dbSNP rs199980022, ClinGen allele CA316157.